The following is an entry in ClinVar:

ClinVar aggregate classification (germline): Uncertain significance (1 of 4 stars; one submission).

Conditions:
GNAS-related disorder. Identifiers: MedGen CN380105.

Submission:

PreventionGenetics, part of Exact Sciences
Classification: Uncertain significance for GNAS-related condition. Last evaluated: 2026-07-13. Review status: criteria provided, single submitter. Criteria: ACMG Guidelines, 2015. Collection method: clinical testing. Allele origin: germline.
Comment: The GNAS c.1214C>T variant is predicted to result in the amino acid substitution p.Pro405Leu. To our knowledge, this variant has not been reported in the literature or in a large population database (gnomAD), indicating this variant is rare. At this time, the clinical significance of this variant is uncertain due to the absence of conclusive functional and genetic evidence.

NM_080425.4(GNAS):c.1401C>T (p.Ala467=)

Gene: GNAS (GNAS complex locus; plus strand). Cytogenetic location: 20q13.32.
Variant type: single nucleotide variant.
Coding change: c.1401C>T on transcript NM_080425.4 (MANE Plus Clinical); coding-DNA position 1401, C replaced by T.
Protein change: p.Ala467=; no amino-acid change (alanine 467 retained).
Molecular consequence: synonymous variant. On other transcripts: missense variant (2), intron variant (3).
Genome position (GRCh38, 1-based): chr20:58,854,666, C>T. VCF-style: chr20-58854666-C-T. GRCh37 (hg19) VCF-style: chr20-57429721-C-T.
Other names: c.1214C>T, p.Pro405Leu (NM_001077490.3, NM_001309883.1); c.1401C>T, p.Ala467= (NM_001410913.1); c.*42+13780C>T (NM_016592.5); c.43+13780C>T (NM_001410912.1); c.-39+12791C>T (NM_001309861.2); short protein forms P405L.
Identifiers: ClinVar variation 4988464 (VCV004988464.1).
Genomic context (GRCh38, chr20:58,854,666, plus strand): 5'-TGACGCCCCAGCCGATCCCGACTCCGGGGCGGCCCCTGACGCCCCAGCCGATCCAGATGC[C>T]GGGGCGGCCCCTGAGGCTCCCGCCGCCCCTGCGGCTGCTGAGACCCGGGCAGCCCATGTC-3'
Protein context (NP_536350.2, residues 457-477): AAPDAPADPD[Ala467=]GAAPEAPAAP